The following is an entry in ClinVar:

ClinVar aggregate classification (germline): Uncertain significance (1 of 4 stars; one submission).

Conditions:
Arrhythmogenic right ventricular cardiomyopathy (ARVD). Also called: Arrhythmogenic right ventricular dysplasia; Cardiomyopathy, ARVC; Arrhythmogenic cardiomyopathy; Arrhythmogenic Right Ventricular Cardiomyopathy (ARVC). Identifiers: Orphanet 247, MedGen C0349788, MeSH D019571, MONDO:0016587. Disease mechanism: loss of function. Inheritance: Various modes of inheritance.

Submission:

All of Us Research Program, National Institutes of Health
Classification: Uncertain significance for Arrhythmogenic right ventricular cardiomyopathy. Last evaluated: 2023-12-18. Review status: criteria provided, single submitter. Criteria: ACMG Guidelines, 2015. Collection method: clinical testing. Allele origin: germline. Inheritance: Autosomal dominant inheritance. Observed: 1 variant allele, 1 heterozygote.
Comment: This variant causes deletion of 2 nucleotides in exon 11 of the DSG2 gene, creating a frameshift and premature translation stop signal. This variant is expected to result in an absent or non-functional protein product. To our knowledge, this variant has not been reported in individuals affected with DSG2-related disorders in the literature. This variant has not been identified in the general population by the Genome Aggregation Database (gnomAD). Although there is a suspicion for a pathogenic role, clinical relevance of loss-of-function DSG2 truncation and splice variants in autosomal dominant arrhythmogenic cardiomyopathy is not yet clearly established. The available evidence is insufficient to determine the role of this variant in disease conclusively. Therefore, this variant is classified as a Variant of Uncertain Significance.

This study involves interpretation of variants in research participants for the purpose of population health screening. Participant phenotype was not available at the time of variant classification. Additional details can be found in publication PMID: 35346344, PMCID: PMC8962531

NM_001943.5(DSG2):c.1512_1513del (p.Gln504fs)

Gene: DSG2 (desmoglein 2; plus strand). Cytogenetic location: 18q12.1.
Variant type: Deletion.
Coding change: c.1512_1513del on transcript NM_001943.5 (MANE Select); coding-DNA positions 1512 to 1513, 2 bases deleted (GA; older notation c.1512_1513delGA).
Protein change: p.Gln504fs; shifts the reading frame from glutamine 504.
Molecular consequence: frameshift variant.
Genome position (GRCh38, 1-based): chr18:31,536,290-31,536,291, GA deleted; deleting any 2 consecutive bases within chr18:31,536,289-31,536,291 gives the same sequence; the c. name uses the placement nearest the transcript's 3' end. VCF-style (leftmost placement, unchanged base first): chr18-31536288-CAG-C. GRCh37 (hg19) VCF-style: chr18-29116251-CAG-C.
Other names: short protein forms Q504fs.
Identifiers: ClinVar variation 3075174 (VCV003075174.1), dbSNP rs2510917861, ClinGen allele CA2825002682.
Genomic context (GRCh38, chr18:31,536,288, plus strand): 5'-ACAGTCCTTATCAATGTTGAAGACATCAACGACAACTGTCCCACACTGATAGAGCCTGTG[CAG>C]ACAATCTGTCACGATGCAGAGTATGTGAATGTTACTGCAGAGGACCTGGATGGACACCCA-3'